The following is an entry in ClinVar:

NM_021973.3(HAND2):c.453C>G (p.Leu151=)

Genes: HAND2 (heart and neural crest derivatives expressed 2; minus strand), HAND2-AS1 (HAND2 antisense RNA 1; plus strand). Cytogenetic location: 4q34.1.
Variant type: single nucleotide variant.
Coding change: c.453C>G on transcript NM_021973.3 (MANE Select); coding-DNA position 453, C replaced by G.
Protein change: p.Leu151=; no amino-acid change (leucine 151 retained).
Molecular consequence: synonymous variant. On other transcripts: non-coding transcript variant (1).
Genome position (GRCh38, 1-based): chr4:173,528,837, G>C on the plus strand (C>G on the coding strand, the complement: HAND2 is on the minus strand). VCF-style: chr4-173528837-G-C. GRCh37 (hg19) VCF-style: chr4-174449988-G-C.
Identifiers: ClinVar variation 4980036 (VCV004980036.1).

ClinVar aggregate classification (germline): Likely benign (1 of 4 stars; one submission).

Conditions:
HAND2-related disorder. Also called: HAND2-related condition.

gnomAD v4.1: 36 of 1,614,124 alleles (0.0022%); highest among the groups gnomAD compares: Non-Finnish European, 0.0028%; no homozygotes.

Submission:

PreventionGenetics, part of Exact Sciences
Classification: Likely benign for HAND2-related condition. Last evaluated: 2026-01-05. Review status: criteria provided, single submitter. Criteria: ACMG Guidelines, 2015. Collection method: clinical testing. Allele origin: germline.
Comment: This variant is classified as likely benign based on ACMG/AMP sequence variant interpretation guidelines (Richards et al. 2015 PMID: 25741868, with internal and published modifications).